The following is an entry in ClinVar:

NM_005529.7(HSPG2):c.1219del (p.Gln407fs)

Gene: HSPG2 (heparan sulfate proteoglycan 2; minus strand). Cytogenetic location: 1p36.12.
Variant type: Deletion.
Coding change: c.1219del on transcript NM_005529.7 (MANE Select); coding-DNA position 1219, one base deleted (C; older notation c.1219delC).
Protein change: p.Gln407fs; shifts the reading frame from glutamine 407.
Molecular consequence: frameshift variant.
Genome position (GRCh38, 1-based): chr1:21,885,149, G deleted on the plus strand (C on the coding strand, the reverse complement: HSPG2 is on the minus strand); the first of 7 consecutive G bases (chr1:21,885,149-21,885,155); deleting any one gives the same sequence. VCF-style (leftmost placement, unchanged base first): chr1-21885148-TG-T. GRCh37 (hg19) VCF-style: chr1-22211641-TG-T.
Other names: c.1219del, p.Gln407fs (NM_001291860.2); short protein forms Q407fs.
Identifiers: ClinVar variation 2444121 (VCV002444121.1), dbSNP rs763945561, ClinGen allele CA338967459.
Genomic context (GRCh38, chr1:21,885,148, plus strand): 5'-GTGAAGGTCACTGTCTGGCCCCGGGAAGCCTGGATGGACTCCCGGGGAGGTGTCACCACC[TG>T]GGGGGGCACTGAGGAGACCAGGGCAGGAGTGAGGGGTCGGGGGCAAAGGAAGGAGGAGCG-3'

ClinVar aggregate classification (germline): Likely pathogenic (1 of 4 stars; one submission).

Conditions:
Schwartz-Jampel syndrome type 1 (SJS1). Also called: MYOTONIC MYOPATHY, DWARFISM, CHONDRODYSTROPHY, AND OCULAR AND FACIAL ABNORMALITIES; CHONDRODYSTROPHIC MYOTONIA. Identifiers: MedGen C4551479, MONDO:0100435, OMIM 255800.

Submission:

3billion
Classification: Likely pathogenic for Schwartz-Jampel syndrome type 1. Last evaluated: 2023-02-23. Review status: criteria provided, single submitter. Criteria: ACMG Guidelines, 2015. Collection method: clinical testing. Allele origin: unknown. Affected: yes.
Comment: The variant is not observed in the gnomAD v2.1.1 dataset. This variant was predicted to result in a loss or disruption of normal protein function through nonsense-mediated decay (NMD) or protein truncation. Multiple pathogenic variants are reported downstream of the variant. Therefore, this variant is classified as Likely pathogenic according to the recommendation of ACMG/AMP guideline.